The following is an entry in ClinVar:

ClinVar aggregate classification (germline): Uncertain significance (1 of 4 stars; one submission).

Conditions:
Retinoblastoma (RB1). Also called: RETINOBLASTOMA, SOMATIC. Identifiers: Orphanet 790, MedGen C0035335, MeSH D012175, MONDO:0008380, OMIM 180200, HP:0009919. Disease mechanism: loss of function. Inheritance: Both sporadic and heritable forms are tested..

gnomAD v4.1: 8 of 1,223,032 alleles (0.00065%); highest among the groups gnomAD compares: East Asian, 0.0032%; no homozygotes.

Submission:

Labcorp Genetics (formerly Invitae), Labcorp
Classification: Uncertain significance for Retinoblastoma. Last evaluated: 2025-10-13. Review status: criteria provided, single submitter. Criteria: Invitae Variant Classification Sherloc (09022015). Collection method: clinical testing. Allele origin: germline.
Comment: This variant occurs in a non-coding region of the RB1 gene. It does not change the encoded amino acid sequence of the RB1 protein. This variant is present in population databases (no rsID available, gnomAD 0.06%). This variant has not been reported in the literature in individuals affected with RB1-related conditions. ClinVar contains an entry for this variant (Variation ID: 3634469). In summary, the available evidence is currently insufficient to determine the role of this variant in disease. Therefore, it has been classified as a Variant of Uncertain Significance.

NM_000321.3(RB1):c.-151G>C

Gene: RB1 (RB transcriptional corepressor 1; plus strand). Cytogenetic location: 13q14.2.
Variant type: single nucleotide variant.
Coding change: c.-151G>C on transcript NM_000321.3 (MANE Select); 151 bases upstream of the start codon, G replaced by C.
Molecular consequence: 5 prime UTR variant.
Genome position (GRCh38, 1-based): chr13:48,303,762, G>C. VCF-style: chr13-48303762-G-C. GRCh37 (hg19) VCF-style: chr13-48877898-G-C.
Other names: c.-151G>C (NM_001407165.1, NM_001407166.1, NM_001407167.1).
Identifiers: ClinVar variation 3634469 (VCV003634469.2).
Genomic context (GRCh38, chr13:48,303,762, plus strand): 5'-TGACGCCGCGGGCGGAAGTGACGTTTTCCCGCGGTTGGACGCGGCGCTCAGTTGCCGGGC[G>C]GGGGAGGGCGCGTCCGGTTTTTCTCAGGGGACGTTGAAATTATTTTTGTAACGGGAGTCG-3'